The following is an entry in ClinVar:

ClinVar aggregate classification (germline): Uncertain significance. Review status: criteria provided, multiple submitters, no conflicts (2 of 4 stars). 2 submissions from 2 submitters: Uncertain significance (2). Last evaluated 2026-02-03.

Conditions:
Hereditary cancer-predisposing syndrome. Also called: Neoplastic Syndromes, Hereditary; Hereditary neoplastic syndrome; Tumor predisposition; Hereditary Cancer Syndrome. Identifiers: Orphanet 140162, MedGen C0027672, MeSH D009386, MONDO:0015356.
Hereditary pheochromocytoma and paraganglioma. Also called: Hereditary Paraganglioma-Pheochromocytoma Syndromes; Hereditary paragangliomas and pheochromocytomas; Hereditary pheochromocytoma-paraganglioma. Identifiers: Orphanet 29072, MedGen C4274332, MONDO:0017366.

Submissions (2):

Labcorp Genetics (formerly Invitae), Labcorp
Classification: Uncertain significance for Hereditary pheochromocytoma and paraganglioma. Last evaluated: 2026-02-03. Review status: criteria provided, single submitter. Criteria: Invitae Variant Classification Sherloc (09022015). Collection method: clinical testing. Allele origin: germline.
Comment: This sequence change replaces asparagine, which is neutral and polar, with serine, which is neutral and polar, at codon 114 of the MAX protein (p.Asn114Ser). This variant is not present in population databases (gnomAD no frequency). This variant has not been reported in the literature in individuals affected with MAX-related conditions. ClinVar contains an entry for this variant (Variation ID: 485706). An algorithm developed to predict the effect of missense changes on protein structure and function (PolyPhen-2) suggests that this variant is likely to be tolerated. In summary, the available evidence is currently insufficient to determine the role of this variant in disease. Therefore, it has been classified as a Variant of Uncertain Significance.

Ambry Genetics
Classification: Uncertain significance for Hereditary cancer-predisposing syndrome. Last evaluated: 2016-06-15. Review status: criteria provided, single submitter. Criteria: Ambry Variant Classification Scheme 2023. Collection method: clinical testing. Allele origin: germline.
Comment: The p.N114S variant (also known as c.341A>G), located in coding exon 5 of the MAX gene, results from an A to G substitution at nucleotide position 341. The asparagine at codon 114 is replaced by serine, an amino acid with highly similar properties. This variant was not reported in population based cohorts in the following databases: Database of Single Nucleotide Polymorphisms (dbSNP), NHLBI Exome Sequencing Project (ESP), and 1000 Genomes Project. In the ESP, this variant was not observed in 6503 samples (13006 alleles) with coverage at this position. To date, this alteration has been detected with an allele frequency of approximately 0.006% (greater than 20000 alleles tested) in our clinical cohort. This amino acid position is well conserved in available vertebrate species. In addition, this alteration is predicted to be tolerated by in silico analysis. Since supporting evidence is limited at this time, the clinical significance of this alteration remains unclear.

NM_002382.5(MAX):c.341A>G (p.Asn114Ser)

Gene: MAX (MYC associated transcriptional regulator X; minus strand). Cytogenetic location: 14q23.3.
Variant type: single nucleotide variant.
Coding change: c.341A>G on transcript NM_002382.5 (MANE Select); coding-DNA position 341, A replaced by G.
Protein change: p.Asn114Ser; replaces asparagine 114 with serine.
Molecular consequence: missense variant. On other transcripts: 3 prime UTR variant (1), intron variant (2).
Genome position (GRCh38, 1-based): chr14:65,076,618, T>C on the plus strand (A>G on the coding strand, the complement: MAX is on the minus strand). VCF-style: chr14-65076618-T-C. GRCh37 (hg19) VCF-style: chr14-65543336-T-C.
Other names: c.152A>G, p.Asn51Ser (NM_001320415.2, NM_001407105.1, NM_001407106.1 and 1 more transcripts); c.341A>G, p.Asn114Ser (NM_001407094.1); c.314A>G, p.Asn105Ser (NM_001407095.1, NM_145112.3); c.*114A>G (NM_001407096.1, NM_001407099.1, NM_001407102.1 and 2 more transcripts); c.*130A>G (NM_001407097.1, NM_001407100.1, NM_001407101.1 and 4 more transcripts); c.233A>G, p.Asn78Ser (NM_001407098.1); c.140A>G, p.Asn47Ser (NM_001407111.1, NM_001407112.1); c.144+17090A>G (NM_001271069.2); and 1 more; short protein forms N114S, N51S, N105S, N47S, N78S.
Identifiers: ClinVar variation 485706 (VCV000485706.16), dbSNP rs772912674, ClinGen allele CA390031844.
Genomic context (GRCh38, chr14:65,076,618, plus strand): 5'-AAGGCAGAGATGGTGCTGCCCTTGGCGTTGGTGTAGAGGCTGTTGTCTGAGGAGGGGTAG[T>C]TGGTCTGCAGTTGGGCACTTGACCTCGCCTTCTCCAGTGCACGGACTAAAAGGCAACCAA-3'
Protein context (NP_002373.3, residues 104-124): KARSSAQLQT[Asn114Ser]YPSSDNSLYT